The following is an entry in ClinVar:

NM_000046.5(ARSB):c.347C>A (p.Pro116His)

Gene: ARSB (arylsulfatase B; minus strand). Cytogenetic location: 5q14.1.
Variant type: single nucleotide variant.
Coding change: c.347C>A on transcript NM_000046.5 (MANE Select); coding-DNA position 347, C replaced by A.
Protein change: p.Pro116His; replaces proline 116 with histidine.
Molecular consequence: missense variant.
Genome position (GRCh38, 1-based): chr5:78,969,158, G>T on the plus strand (C>A on the coding strand, the complement: ARSB is on the minus strand). VCF-style: chr5-78969158-G-T. GRCh37 (hg19) VCF-style: chr5-78264981-G-T.
Other names: c.347C>A, p.Pro116His (NM_198709.3); short protein forms P116H.
Identifiers: ClinVar variation 559772 (VCV000559772.5), dbSNP rs775780931, ClinGen allele CA3318286.

ClinVar aggregate classification (germline): Uncertain significance (1 of 4 stars; one submission).

Conditions:
Mucopolysaccharidosis type 6 (MPS6). Also called: N-ACETYLGALACTOSAMINE-4-SULFATASE DEFICIENCY; MPS VI; MPS 6; Maroteaux Lamy syndrome; ARSB DEFICIENCY; ARYLSULFATASE B DEFICIENCY. Identifiers: Orphanet 583, MedGen C0026709, MONDO:0009661, OMIM 253200.

Allele frequency attached by ClinVar (database versions not stated): gnomAD exomes below 0.00001; ExAC 0.00001.
gnomAD v4.1: 1 of 1,614,102 alleles (0.000062%); highest among the groups gnomAD compares: Non-Finnish European, 0.000085%; no homozygotes.

Submission:

Laboratory of Diagnosis and Therapy of Lysosomal Disorders, University of Padova
Classification: Uncertain significance for Mucopolysaccharidosis type 6. Last evaluated: 2018-01-01. Review status: criteria provided, single submitter. Criteria: ACMG Guidelines, 2015. Collection method: curation. Allele origin: germline. Affected: yes.
Comment: Very low frequency in ExAC (PM2)

Literature cited by the submitters: PubMed 10036316; PubMed 30118150.